The following is an entry in ClinVar:

NM_005476.7(GNE):c.2005_2011del (p.Gly669fs)

Gene: GNE (glucosamine (UDP-N-acetyl)-2-epimerase/N-acetylmannosamine kinase; minus strand). Cytogenetic location: 9p13.3.
Variant type: Deletion.
Coding change: c.2005_2011del on transcript NM_005476.7 (MANE Select); coding-DNA positions 2005 to 2011, 7 bases deleted (GGAGTCC; older notation c.2005_2011delGGAGTCC).
Protein change: p.Gly669fs; shifts the reading frame from glycine 669.
Molecular consequence: frameshift variant.
Genome position (GRCh38, 1-based): chr9:36,217,523-36,217,529, GGACTCC deleted on the plus strand (GGAGTCC on the coding strand, the reverse complement: GNE is on the minus strand); deleting any 7 consecutive bases within chr9:36,217,523-36,217,532 gives the same sequence; the c. name uses the placement nearest the transcript's 3' end. VCF-style (leftmost placement, unchanged base first): chr9-36217522-AGGACTCC-A. GRCh37 (hg19) VCF-style: chr9-36217519-AGGACTCC-A.
Other names: c.2098_2104del, p.Gly700fs (NM_001128227.3); c.1783_1789del, p.Gly595fs (NM_001190383.3); c.1675_1681del, p.Gly559fs (NM_001190384.3); c.1828_1834del, p.Gly610fs (NM_001190388.2, NM_001374798.1); c.1852_1858del, p.Gly618fs (NM_001374797.1); short protein forms G559fs, G595fs, G610fs, G618fs, G669fs, G700fs.
Identifiers: ClinVar variation 1068026 (VCV001068026.9), dbSNP rs2132993345, ClinGen allele CA2499219904.

ClinVar aggregate classification (germline): Pathogenic (1 of 4 stars; one submission).

Conditions:
Sialuria. Also called: SIALURIA, FRENCH TYPE; Sialic Acid Storage Disease. Identifiers: Orphanet 3166, MedGen C0342853, MONDO:0010028, OMIM 269921.
GNE myopathy (NM). Also called: NONAKA DISTAL MYOPATHY; MYOPATHY, DISTAL, WITH OR WITHOUT RIMMED VACUOLES; INCLUSION BODY MYOPATHY, HEREDITARY, AUTOSOMAL RECESSIVE; INCLUSION BODY MYOPATHY 2, AUTOSOMAL RECESSIVE; IBM 2; Inclusion body myopathy autosomal recessive. Identifiers: Orphanet 602, MedGen C1853926, MONDO:0011603, OMIM 605820.

Submission:

Labcorp Genetics (formerly Invitae), Labcorp
Classification: Pathogenic for Sialuria; GNE myopathy. Last evaluated: 2023-07-14. Review status: criteria provided, single submitter. Criteria: Invitae Variant Classification Sherloc (09022015). Collection method: clinical testing. Allele origin: germline.
Comment: For these reasons, this variant has been classified as Pathogenic. This variant disrupts a region of the GNE protein in which other variant(s) (p.Met743Thr) have been determined to be pathogenic (PMID: 11528398, 15147877, 15670773, 20300792, 23278550). This suggests that this is a clinically significant region of the protein, and that variants that disrupt it are likely to be disease-causing. ClinVar contains an entry for this variant (Variation ID: 1068026). This variant has not been reported in the literature in individuals affected with GNE-related conditions. This variant is not present in population databases (gnomAD no frequency). This sequence change results in a frameshift in the GNE gene (p.Gly700Trpfs*80). While this is not anticipated to result in nonsense mediated decay, it is expected to disrupt the last 54 amino acid(s) of the GNE protein and extend the protein by 25 additional amino acid residues.

Literature cited by the submitters: PubMed 11528398; PubMed 15147877; PubMed 15670773; PubMed 20300792; PubMed 23278550.